The following is an entry in ClinVar:

NM_001267550.2(TTN):c.45616+3_45616+6dup

Genes: TTN (titin; minus strand), LOC126806427 (BRD4-independent group 4 enhancer GRCh37_chr2:179485777-179486976; plus strand). Cytogenetic location: 2q31.2.
Variant type: Duplication.
Coding change: c.45616+3_45616+6dup on transcript NM_001267550.2 (MANE Select); bases 3 to 6 of the intron after coding-DNA position 45616, 4 bases duplicated (AAGT; older notation c.45616+3_45616+6dupAAGT).
Molecular consequence: splice donor variant.
Genome position (GRCh38, 1-based): chr2:178,621,096-178,621,099, ACTT duplicated on the plus strand (AAGT on the coding strand, the reverse complement: TTN is on the minus strand); duplicating any 4 consecutive bases within chr2:178,621,096-178,621,101 gives the same sequence; the c. name uses the placement nearest the transcript's 3' end. VCF-style (leftmost placement, unchanged base first): chr2-178621095-A-AACTT. GRCh37 (hg19) VCF-style: chr2-179485822-A-AACTT.
Other names: c.18421+3_18421+6dup (NM_003319.4); c.18997+3_18997+6dup (NM_133437.4); c.18796+3_18796+6dup (NM_133432.3); c.37912+3_37912+6dup (NM_133378.4); c.40693+3_40693+6dup (NM_001256850.1).
Identifiers: ClinVar variation 1654652 (VCV001654652.9), dbSNP rs1373938186, ClinGen allele CA538435948.

ClinVar aggregate classification (germline): Conflicting classifications of pathogenicity. Review status: criteria provided, conflicting classifications (1 of 4 stars). 2 submissions from 2 submitters: Uncertain significance (1); Likely benign (1). Last evaluated 2025-11-27.

Conditions:
Dilated cardiomyopathy 1G (CMD1G). Identifiers: Orphanet 154, MedGen C1858763, MONDO:0011400, OMIM 604145.
Autosomal recessive limb-girdle muscular dystrophy type 2J (LGMDR10). Also called: Limb-girdle muscular dystrophy, type 2J; MUSCULAR DYSTROPHY, LIMB-GIRDLE, AUTOSOMAL RECESSIVE 10. Identifiers: Orphanet 140922, MedGen C1837342, MONDO:0012127, OMIM 608807.

Submissions (2):

Labcorp Genetics (formerly Invitae), Labcorp
Classification: Likely benign for Dilated cardiomyopathy 1G; Autosomal recessive limb-girdle muscular dystrophy type 2J. Last evaluated: 2025-11-27. Review status: criteria provided, single submitter. Criteria: Invitae Variant Classification Sherloc (09022015). Collection method: clinical testing. Allele origin: germline.

GeneDx
Classification: Uncertain significance. Last evaluated: 2025-03-17. Review status: criteria provided, single submitter. Criteria: GeneDx Variant Classification Process June 2021. Collection method: clinical testing. Allele origin: germline. Affected: yes.
Comment: Not observed at significant frequency in large population cohorts (gnomAD); Has not been previously published as pathogenic or benign to our knowledge; In silico analysis suggests this variant may impact gene splicing. In the absence of RNA/functional studies, the actual effect of this sequence change is unknown.; This variant is associated with the following publications: (PMID: 27625338, 27869827, 32778822)